The following is an entry in ClinVar:

NM_001164508.2(NEB):c.6427A>T (p.Lys2143Ter)

Gene: NEB (nebulin; minus strand). Cytogenetic location: 2q23.3.
Variant type: single nucleotide variant.
Coding change: c.6427A>T on transcript NM_001164508.2 (MANE Select); coding-DNA position 6427, A replaced by T.
Protein change: p.Lys2143Ter; replaces lysine 2143 with a stop codon.
Molecular consequence: nonsense.
Genome position (GRCh38, 1-based): chr2:151,656,221, T>A on the plus strand (A>T on the coding strand, the complement: NEB is on the minus strand). VCF-style: chr2-151656221-T-A. GRCh37 (hg19) VCF-style: chr2-152512735-T-A.
Other names: c.6427A>T, p.Lys2143Ter (NM_001164507.2, NM_001271208.2, NM_004543.5); short protein forms K2143*.
Identifiers: ClinVar variation 1726765 (VCV001726765.2), dbSNP rs2552252876, ClinGen allele CA348798727.
Genomic context (GRCh38, chr2:151,656,221, plus strand): 5'-GTATGCGATTCATATTCCTGGTCAGCTCAATGTTCATTGCATCTGGAAGGAGGATGTACT[T>A]GTGAATCAGGTGCTTGTAGTTAGTGTTGGTGATGTTGGCTTGGGCATCCTTTGCAGCCGT-3'

ClinVar aggregate classification (germline): Likely pathogenic (1 of 4 stars; one submission).

Conditions:
Nemaline myopathy 2 (NEM2). Also called: Nemaline myopathy 2, autosomal recessive. Identifiers: MedGen C1850569, MONDO:0009725, OMIM 256030.

Submission:

Myriad Genetics, Inc.
Classification: Likely pathogenic for Nemaline myopathy 2. Last evaluated: 2022-01-02. Review status: criteria provided, single submitter. Criteria: Myriad Women's Health Autosomal Recessive and X-Linked Classification Criteria (2021). Collection method: clinical testing. Allele origin: unknown.
Comment: NM_001271208.1(NEB):c.6427A>T(K2143*) is expected to be pathogenic in the context of NEB-related nemaline myopathy. This variant is predicted to lead to an abnormal or absent protein product due to the creation of a premature termination codon in NEB, a gene where loss-of-function variants are known to be pathogenic. Please note: this variant was assessed in the context of healthy population screening.